The following is an entry in ClinVar:

NM_207346.3(TSEN54):c.424C>T (p.Gln142Ter)

Gene: TSEN54 (tRNA splicing endonuclease subunit 54; plus strand). Cytogenetic location: 17q25.1.
Variant type: single nucleotide variant.
Coding change: c.424C>T on transcript NM_207346.3 (MANE Select); coding-DNA position 424, C replaced by T.
Protein change: p.Gln142Ter; replaces glutamine 142 with a stop codon.
Molecular consequence: nonsense.
Genome position (GRCh38, 1-based): chr17:75,517,611, C>T. VCF-style: chr17-75517611-C-T. GRCh37 (hg19) VCF-style: chr17-73513692-C-T.
Other names: short protein forms Q142*.
Identifiers: ClinVar variation 3013601 (VCV003013601.3), dbSNP rs532966530, ClinGen allele CA8764099.
Genomic context (GRCh38, chr17:75,517,611, plus strand): 5'-TTCCAGGGCTCCATCCACCTCTTCCACCAAGACCTGCCACTGTCTATCCAGGAAGCTTAC[C>T]AGCTGCTGCTGACCGACCACACTGTGACCTTCCTGCAGTACCAGGTATCTGCCACCACCC-3'

ClinVar aggregate classification (germline): Pathogenic (1 of 4 stars; one submission).

Allele frequency attached by ClinVar (database versions not stated): gnomAD exomes below 0.00001; ExAC 0.00001; gnomAD 0.00001; 1000 Genomes Project 30x 0.00016; 1000 Genomes Project 0.00020.
gnomAD v4.1: 3 of 1,613,974 alleles (0.00019%); highest among the groups gnomAD compares: South Asian, 0.0033%; no homozygotes.

Submission:

Labcorp Genetics (formerly Invitae), Labcorp
Classification: Pathogenic. Last evaluated: 2023-07-16. Review status: criteria provided, single submitter. Criteria: Invitae Variant Classification Sherloc (09022015). Collection method: clinical testing. Allele origin: germline.
Comment: For these reasons, this variant has been classified as Pathogenic. This variant has not been reported in the literature in individuals affected with TSEN54-related conditions. This variant is present in population databases (rs532966530, gnomAD 0.003%). This sequence change creates a premature translational stop signal (p.Gln142*) in the TSEN54 gene. It is expected to result in an absent or disrupted protein product. Loss-of-function variants in TSEN54 are known to be pathogenic (PMID: 18711368, 20952379).

Literature cited by the submitters: PubMed 18711368; PubMed 20952379.